The following is an entry in ClinVar:

NM_002769.5(PRSS1):c.326T>C (p.Met109Thr)

Genes: TRB (T cell receptor beta locus; plus strand), PRSS1 (serine protease 1; plus strand). Cytogenetic location: 7q34.
Variant type: single nucleotide variant.
Coding change: c.326T>C on transcript NM_002769.5 (MANE Select); coding-DNA position 326, T replaced by C.
Protein change: p.Met109Thr; replaces methionine 109 with threonine.
Molecular consequence: missense variant. On other transcripts: non-coding transcript variant (4).
Genome position (GRCh38, 1-based): chr7:142,751,899, T>C. VCF-style: chr7-142751899-T-C. GRCh37 (hg19) VCF-style: chr7-142459750-T-C.
Other names: short protein forms M109T.
Identifiers: ClinVar variation 2563198 (VCV002563198.2), dbSNP rs1482612529, ClinGen allele CA369608809.
Genomic context (GRCh38, chr7:142,751,899, plus strand): 5'-ATGCAGCCAAGATCATCCGCCACCCCCAATACGACAGGAAGACTCTGAACAATGACATCA[T>C]GTTAATCAAGCTCTCCTCACGTGCAGTAATCAACGCCCGCGTGTCCACCATCTCTCTGCC-3'
Protein context (NP_002760.1, residues 99-119): YDRKTLNNDI[Met109Thr]LIKLSSRAVI

ClinVar aggregate classification (germline): Uncertain significance (1 of 4 stars; one submission).

Conditions:
Hereditary pancreatitis (PCTT). Also called: Hereditary chronic pancreatitis; PRSS1-Related Hereditary Pancreatitis. Identifiers: Orphanet 676, MedGen C0238339, MONDO:0008185, OMIM 167800.

Allele frequency attached by ClinVar (database versions not stated): gnomAD exomes below 0.00001.

Submission:

Ambry Genetics
Classification: Uncertain significance for Hereditary pancreatitis. Last evaluated: 2023-05-28. Review status: criteria provided, single submitter. Criteria: Ambry Variant Classification Scheme 2023. Collection method: clinical testing. Allele origin: germline.
Comment: The p.M109T variant (also known as c.326T>C), located in coding exon 3 of the PRSS1 gene, results from a T to C substitution at nucleotide position 326. The methionine at codon 109 is replaced by threonine, an amino acid with similar properties. This amino acid position is conserved. In addition, this alteration is predicted to be deleterious by in silico analysis. Since supporting evidence is limited at this time, the clinical significance of this alteration remains unclear.